The following is an entry in ClinVar:

ClinVar aggregate classification (germline): Uncertain significance (1 of 4 stars; one submission).

Conditions:
Multiple acyl-CoA dehydrogenase deficiency (MADD). Also called: Glutaric acidemia type II; GA 2; Glutaric aciduria, type 2; ETHYLMALONIC-ADIPICACIDURIA; GA II; Glutaric Acidemia type 2. Identifiers: Orphanet 26791, MedGen C0268596, MONDO:0009282, OMIM 231680.

Allele frequency attached by ClinVar (database versions not stated): TOPMed below 0.00001.

Submission:

Labcorp Genetics (formerly Invitae), Labcorp
Classification: Uncertain significance for Multiple acyl-CoA dehydrogenase deficiency. Last evaluated: 2024-09-23. Review status: criteria provided, single submitter. Criteria: Invitae Variant Classification Sherloc (09022015). Collection method: clinical testing. Allele origin: germline.
Comment: This sequence change replaces glutamic acid, which is acidic and polar, with lysine, which is basic and polar, at codon 325 of the ETFA protein (p.Glu325Lys). This variant is not present in population databases (gnomAD no frequency). This variant has not been reported in the literature in individuals affected with ETFA-related conditions. ClinVar contains an entry for this variant (Variation ID: 1470135). Invitae Evidence Modeling of protein sequence and biophysical properties (such as structural, functional, and spatial information, amino acid conservation, physicochemical variation, residue mobility, and thermodynamic stability) indicates that this missense variant is not expected to disrupt ETFA protein function with a negative predictive value of 80%. Algorithms developed to predict the effect of sequence changes on RNA splicing suggest that this variant may disrupt the consensus splice site. In summary, the available evidence is currently insufficient to determine the role of this variant in disease. Therefore, it has been classified as a Variant of Uncertain Significance.

NM_000126.4(ETFA):c.973G>A (p.Glu325Lys)

Gene: ETFA (electron transfer flavoprotein subunit alpha; minus strand). Cytogenetic location: 15q24.2.
Variant type: single nucleotide variant.
Coding change: c.973G>A on transcript NM_000126.4 (MANE Select); coding-DNA position 973, G replaced by A.
Protein change: p.Glu325Lys; replaces glutamic acid 325 with lysine.
Molecular consequence: missense variant.
Genome position (GRCh38, 1-based): chr15:76,216,588, C>T on the plus strand (G>A on the coding strand, the complement: ETFA is on the minus strand). VCF-style: chr15-76216588-C-T. GRCh37 (hg19) VCF-style: chr15-76508929-C-T.
Other names: c.826G>A, p.Glu276Lys (NM_001127716.2); short protein forms E276K, E325K.
Identifiers: ClinVar variation 1470135 (VCV001470135.5), dbSNP rs2038898400, ClinGen allele CA393512231.